The following is an entry in ClinVar:

NM_001134363.3(RBM20):c.1879A>G (p.Arg627Gly)

Gene: RBM20 (RNA binding motif protein 20; plus strand). Cytogenetic location: 10q25.2.
Variant type: single nucleotide variant.
Coding change: c.1879A>G on transcript NM_001134363.3 (MANE Select); coding-DNA position 1879, A replaced by G.
Protein change: p.Arg627Gly; replaces arginine 627 with glycine.
Molecular consequence: missense variant.
Genome position (GRCh38, 1-based): chr10:110,810,461, A>G. VCF-style: chr10-110810461-A-G. GRCh37 (hg19) VCF-style: chr10-112570219-A-G.
Other names: short protein forms R627G.
Identifiers: ClinVar variation 1781834 (VCV001781834.5), dbSNP rs1844750575, ClinGen allele CA378369425.

ClinVar aggregate classification (germline): Uncertain significance. Review status: criteria provided, multiple submitters, no conflicts (2 of 4 stars). 2 submissions from 2 submitters: Uncertain significance (2). Last evaluated 2025-11-22.

Conditions:
Dilated cardiomyopathy 1DD (CMD1DD). Identifiers: Orphanet 154, MedGen C2750995, MONDO:0013168, OMIM 613172.
Cardiovascular phenotype. Identifiers: MedGen CN230736.

Allele frequency attached by ClinVar (database versions not stated): TOPMed below 0.00001; gnomAD 0.00001.
gnomAD v4.1: 1 of 1,550,556 alleles (0.000064%); highest among the groups gnomAD compares: Non-Finnish European, 0.000087%; no homozygotes.

Submissions (2):

Labcorp Genetics (formerly Invitae), Labcorp
Classification: Uncertain significance for Dilated cardiomyopathy 1DD. Last evaluated: 2025-11-22. Review status: criteria provided, single submitter. Criteria: Invitae Variant Classification Sherloc (09022015). Collection method: clinical testing. Allele origin: germline.
Comment: This sequence change replaces arginine, which is basic and polar, with glycine, which is neutral and non-polar, at codon 627 of the RBM20 protein (p.Arg627Gly). This variant is not present in population databases (gnomAD no frequency). This variant has not been reported in the literature in individuals affected with RBM20-related conditions. ClinVar contains an entry for this variant (Variation ID: 1781834). An algorithm developed to predict the effect of missense changes on protein structure and function (PolyPhen-2) suggests that this variant is likely to be disruptive. Algorithms developed to predict the effect of sequence changes on RNA splicing suggest that this variant may disrupt the consensus splice site. In summary, the available evidence is currently insufficient to determine the role of this variant in disease. Therefore, it has been classified as a Variant of Uncertain Significance.

Ambry Genetics
Classification: Uncertain significance for Cardiovascular phenotype. Last evaluated: 2022-06-24. Review status: criteria provided, single submitter. Criteria: Ambry Variant Classification Scheme 2023. Collection method: clinical testing. Allele origin: germline.